The following is an entry in ClinVar:

ClinVar aggregate classification (germline): Conflicting classifications of pathogenicity. Review status: criteria provided, conflicting classifications (1 of 4 stars). 12 submissions from 12 submitters: Uncertain significance (3); Likely benign (7). 2 of the submissions do not count toward it. Last evaluated 2026-03-01.

Conditions:
Cardiovascular phenotype. Identifiers: MedGen CN230736.
Alstrom syndrome (ALMS). Identifiers: Orphanet 64, MedGen C0268425, MONDO:0008763, OMIM 203800.

Allele frequency attached by ClinVar (database versions not stated): TOPMed 0.00064; gnomAD 0.00065 and 0.00070; gnomAD exomes 0.00080 and 0.00085; ExAC 0.00086; 1000 Genomes Project 30x 0.00094; 1000 Genomes Project 0.00100; ESP Exome Variant Server 0.00101.
gnomAD v4.1: 1,265 of 1,613,844 alleles (0.078%); highest among the groups gnomAD compares: South Asian, 0.11%; 2 homozygotes.

Submissions (12):

CeGaT Center for Human Genetics Tuebingen
Classification: Likely benign. Last evaluated: 2026-03-01. Review status: criteria provided, single submitter. Criteria: CeGaT Center For Human Genetics Tuebingen Variant Classification Criteria Version 2. Collection method: clinical testing. Allele origin: germline. Affected: yes. Observed: 3 variant alleles.
Comment: ALMS1: BP4

Labcorp Genetics (formerly Invitae), Labcorp
Classification: Likely benign for Alstrom syndrome. Last evaluated: 2026-02-04. Review status: criteria provided, single submitter. Criteria: Invitae Variant Classification Sherloc (09022015). Collection method: clinical testing. Allele origin: germline.

Blueprint Genetics
Classification: Likely benign. Last evaluated: 2024-11-25. Review status: criteria provided, single submitter. Criteria: ACMG Guidelines, 2015. Collection method: clinical testing. Allele origin: germline.

Women's Health and Genetics/Laboratory Corporation of America, LabCorp
Classification: Likely benign. Last evaluated: 2024-10-07. Review status: criteria provided, single submitter. Criteria: LabCorp Variant Classification Summary - May 2015. Collection method: clinical testing. Allele origin: germline.
Comment: Variant summary: ALMS1 c.5186A>G (p.Glu1729Gly) results in a non-conservative amino acid change in the encoded protein sequence. Three of four in-silico tools predict a benign effect of the variant on protein function. The variant allele was found at a frequency of 0.00078 in 1613844 control chromosomes, predominantly at a frequency of 0.0011 within the Non-Finnish European subpopulation in the gnomAD database, including 2 homozygotes. This frequency is not significantly higher than estimated for a pathogenic variant in ALMS1 causing Alstrom Syndrome (0.00078 vs 0.0014), however homozygous controls are not consistent with the presentation and severity of this condition. c.5186A>G has not been reported in the literature in genotype positive individuals affected with Alstrom Syndrome. To our knowledge, no experimental evidence demonstrating an impact on protein function has been reported. The following publications have been ascertained in the context of this evaluation (PMID: 25846608, 26283575). ClinVar contains an entry for this variant (Variation ID: 241001). Based on the evidence outlined above, the variant was classified as likely benign.

ARUP Laboratories, Molecular Genetics and Genomics, ARUP Laboratories
Classification: Uncertain significance for Alstrom syndrome. Last evaluated: 2023-12-08. Review status: criteria provided, single submitter. Criteria: ARUP Molecular Germline Variant Investigation Process 2024. Collection method: clinical testing. Allele origin: germline.
Comment: The ALMS1 c.5189A>G; p.Glu1730Gly variant (rs201390755), also known as NM_015120.4: p.Glu1731Gly, is reported in the literature in cohorts of Alstrom syndrome patients, however, the variant was not determined to be causative (Marshall 2015, Zmyslowska 2016). This variant is also reported in ClinVar (Variation ID: 241001). It is observed in the general population with an overall allele frequency of 0.08% (235/280392 alleles) in the Genome Aggregation Database (v2.1.1). Computational analyses predict that this variant is neutral (REVEL: 0.014). Due to limited information, the clinical significance of this variant is uncertain at this time. References: Marshall JD et al. Alstrom Syndrome: Mutation Spectrum of ALMS1. Hum Mutat. 2015 Jul;36(7):660-8. PMID: 25846608. Zmyslowska A et al. Genetic evaluation of patients with Alstrom syndrome in the Polish population. Clin Genet. 2016 Apr;89(4):448-453. PMID: 26283575.

New York Genome Center
Classification: Uncertain significance for Alstrom syndrome. Last evaluated: 2022-04-06. Review status: criteria provided, single submitter. Criteria: NYGC Assertion Criteria 2020. Collection method: clinical testing. Allele origin: germline. Observed: 1 variant allele, 1 heterozygote.

Ambry Genetics
Classification: Likely benign for Cardiovascular phenotype. Last evaluated: 2021-06-10. Review status: criteria provided, single submitter. Criteria: Ambry Variant Classification Scheme 2023. Collection method: clinical testing. Allele origin: germline.

Genome-Nilou Lab
Classification: Likely benign for Alstrom syndrome. Last evaluated: 2021-05-18. Review status: criteria provided, single submitter. Criteria: ACMG Guidelines, 2015. Collection method: clinical testing. Allele origin: germline. Affected: no.

GeneDx
Classification: Likely benign. Last evaluated: 2020-06-01. Review status: criteria provided, single submitter. Criteria: GeneDx Variant Classification Process June 2021. Collection method: clinical testing. Allele origin: germline. Affected: yes.
Comment: In silico analysis, which includes protein predictors and evolutionary conservation, supports that this variant does not alter protein structure/function

Eurofins Ntd Llc (ga)
Classification: Uncertain significance. Last evaluated: 2018-01-30. Review status: criteria provided, single submitter. Criteria: EGL Classification Definitions 2015. Collection method: clinical testing. Allele origin: germline. Observed: 2 variant alleles, 2 heterozygotes.

Genome Diagnostics Laboratory, University Medical Center Utrecht
Classification: Benign. Review status: no assertion criteria provided. Collection method: clinical testing. Allele origin: germline. Affected: yes. Study: VKGL Data-share Consensus. Not counted in ClinVar's aggregate classification.

Laboratory of Diagnostic Genome Analysis, Leiden University Medical Center (LUMC)
Classification: Likely benign. Review status: no assertion criteria provided. Collection method: clinical testing. Allele origin: germline. Affected: yes. Study: VKGL Data-share Consensus. Not counted in ClinVar's aggregate classification.

Literature cited by the submitters: PubMed 25846608 (cited by Women's Health and Genetics/Laboratory Corporation of America, LabCorp); PubMed 26283575 (cited by Women's Health and Genetics/Laboratory Corporation of America, LabCorp and Ambry Genetics); PubMed 25469153 (cited by Ambry Genetics).

NM_001378454.1(ALMS1):c.5189A>G (p.Glu1730Gly)

Gene: ALMS1 (ALMS1 centrosome and basal body associated protein; plus strand). Cytogenetic location: 2p13.1.
Variant type: single nucleotide variant.
Coding change: c.5189A>G on transcript NM_001378454.1 (MANE Select); coding-DNA position 5189, A replaced by G.
Protein change: p.Glu1730Gly; replaces glutamic acid 1730 with glycine.
Molecular consequence: missense variant.
Genome position (GRCh38, 1-based): chr2:73,451,716, A>G. VCF-style: chr2-73451716-A-G. GRCh37 (hg19) VCF-style: chr2-73678843-A-G.
Other names: c.5192A>G, p.Glu1731Gly (NM_015120.4); short protein forms E1731G, E1730G.
Identifiers: ClinVar variation 241001 (VCV000241001.68), dbSNP rs201390755, ClinGen allele CA1713836.